The following is an entry in ClinVar:

ClinVar aggregate classification (germline): Benign (1 of 4 stars; one submission).

Conditions:
Purine-nucleoside phosphorylase deficiency. Also called: Immunodeficiency due to purine nucleoside phosphorylase deficiency; NUCLEOSIDE PHOSPHORYLASE DEFICIENCY. Identifiers: Orphanet 760, MedGen C0268125, MONDO:0013171, OMIM 613179.

Allele frequency attached by ClinVar (database versions not stated): gnomAD 0.04549 and 0.04593; TOPMed 0.05373; 1000 Genomes Project 0.06410; 1000 Genomes Project 30x 0.06371.

Submission:

Illumina Laboratory Services, Illumina
Classification: Benign for Purine-nucleoside phosphorylase deficiency. Last evaluated: 2018-01-13. Review status: criteria provided, single submitter. Criteria: ICSL Variant Classification Criteria 13 December 2019. Collection method: clinical testing. Allele origin: germline.
Comment: This variant was observed in the ICSL laboratory as part of a predisposition screen in an ostensibly healthy population. It had not been previously curated by ICSL or reported in the Human Gene Mutation Database (HGMD: prior to June 1st, 2018), and was therefore a candidate for classification through an automated scoring system. Utilizing variant allele frequency, disease prevalence and penetrance estimates, and inheritance mode, an automated score was calculated to assess if this variant is too frequent to cause the disease. Based on the score and internal cut-off values, a variant classified as benign is not then subjected to further curation. The score for this variant resulted in a classification of benign for this disease.

NM_000270.3(PNP):c.*811G>A

Gene: PNP (purine nucleoside phosphorylase; plus strand). Cytogenetic location: 14q11.2.
Variant type: single nucleotide variant.
Coding change: c.*811G>A on transcript NM_000270.3; 811 bases downstream of the stop codon, G replaced by A.
Genome position (GRCh38, 1-based): chr14:20,477,412, G>A. VCF-style: chr14-20477412-G-A. GRCh37 (hg19) VCF-style: chr14-20945571-G-A.
Identifiers: ClinVar variation 312747 (VCV000312747.7), dbSNP rs17883795, ClinGen allele CA10634686.
Genomic context (GRCh38, chr14:20,477,412, plus strand): 5'-CCCTTGCCTTCTGATTGTTTCATTTCCTGTTTATTTGATCATATCTGAATTAGTTCACTG[G>A]TTAGCCTCTTCCTTAGTTCCCACTTCCTTACCAAAGCCCTAATTATATTTCCTCTTGTTT-3'